The following is an entry in ClinVar:

NM_139076.3(ABRAXAS1):c.1195G>A (p.Gly399Ser)

Gene: ABRAXAS1 (abraxas 1, BRCA1 A complex subunit; minus strand). Cytogenetic location: 4q21.23.
Variant type: single nucleotide variant.
Coding change: c.1195G>A on transcript NM_139076.3 (MANE Select); coding-DNA position 1195, G replaced by A.
Protein change: p.Gly399Ser; replaces glycine 399 with serine.
Molecular consequence: missense variant.
Genome position (GRCh38, 1-based): chr4:83,462,504, C>T on the plus strand (G>A on the coding strand, the complement: ABRAXAS1 is on the minus strand). VCF-style: chr4-83462504-C-T. GRCh37 (hg19) VCF-style: chr4-84383657-C-T.
Other names: c.868G>A, p.Gly290Ser (NM_001345962.2); short protein forms G290S, G399S.
Identifiers: ClinVar variation 3229138 (VCV003229138.1), dbSNP rs760957137, ClinGen allele CA2990358.

ClinVar aggregate classification (germline): Uncertain significance (1 of 4 stars; one submission).

Allele frequency attached by ClinVar (database versions not stated): TOPMed below 0.00001; ExAC 0.00001; gnomAD 0.00001.

Submission:

Ambry Genetics
Classification: Uncertain significance. Last evaluated: 2024-02-13. Review status: criteria provided, single submitter. Criteria: Ambry Variant Classification Scheme 2023. Collection method: clinical testing. Allele origin: germline.
Comment: The p.G399S variant (also known as c.1195G>A), located in coding exon 9 of the FAM175A gene, results from a G to A substitution at nucleotide position 1195. The glycine at codon 399 is replaced by serine, an amino acid with similar properties. This amino acid position is conserved. In addition, this alteration is predicted to be tolerated by in silico analysis. Based on the available evidence, the clinical significance of this alteration remains unclear.